The following is an entry in ClinVar:

NM_001959.4(EEF1B2):c.65A>G (p.Lys22Arg)

Gene: EEF1B2 (eukaryotic translation elongation factor 1 beta 2; plus strand). Cytogenetic location: 2q33.3.
Variant type: single nucleotide variant.
Coding change: c.65A>G on transcript NM_001959.4 (MANE Select); coding-DNA position 65, A replaced by G.
Protein change: p.Lys22Arg; replaces lysine 22 with arginine.
Molecular consequence: missense variant.
Genome position (GRCh38, 1-based): chr2:206,160,044, A>G. VCF-style: chr2-206160044-A-G. GRCh37 (hg19) VCF-style: chr2-207024768-A-G.
Other names: c.65A>G, p.Lys22Arg (NM_001037663.2, NM_021121.4); short protein forms K22R.
Identifiers: ClinVar variation 2651836 (VCV002651836.24), dbSNP rs11546380, ClinGen allele CA63679469.

ClinVar aggregate classification (germline): Uncertain significance (1 of 4 stars; one submission).

Allele frequency attached by ClinVar (database versions not stated): gnomAD exomes below 0.00001.

Submission:

CeGaT Center for Human Genetics Tuebingen
Classification: Uncertain significance. Last evaluated: 2022-09-01. Review status: criteria provided, single submitter. Criteria: CeGaT Center For Human Genetics Tuebingen Variant Classification Criteria Version 2. Collection method: clinical testing. Allele origin: germline. Affected: yes. Observed: 1 variant allele.
Comment: EEF1B2: PM2